The following is an entry in ClinVar:

ClinVar aggregate classification (germline): Conflicting classifications of pathogenicity. Review status: criteria provided, conflicting classifications (1 of 4 stars). 16 submissions from 15 submitters: Uncertain significance (1); Benign (4); Likely benign (6). 5 of the submissions do not count toward it. Last evaluated 2026-01-25.

Conditions:
Cardiovascular phenotype. Identifiers: MedGen CN230736.
Cardiomyopathy (CMYO). Also called: Cardiomyopathies. Identifiers: Orphanet 167848, MedGen C0878544, MONDO:0004994, HP:0001638. Inheritance: Various modes of inheritance.
Catecholaminergic polymorphic ventricular tachycardia 1. Also called: VENTRICULAR TACHYCARDIA, STRESS-INDUCED POLYMORPHIC 1; RYR2-Related Catecholaminergic Polymorphic Ventricular Tachycardia; VENTRICULAR TACHYCARDIA, CATECHOLAMINERGIC POLYMORPHIC, 1, WITH OR WITHOUT ATRIAL DYSFUNCTION AND/OR DILATED CARDIOMYOPATHY. Identifiers: Orphanet 3286, MedGen C1631597, MONDO:0011484, OMIM 604772.
Arrhythmogenic right ventricular dysplasia 2. Identifiers: MedGen C1832931.
Catecholaminergic polymorphic ventricular tachycardia (CVPT). Also called: Catecholamine-induced polymorphic ventricular tachycardia. Identifiers: Orphanet 3286, MedGen C5574922, MONDO:0017990.

Allele frequency attached by ClinVar (database versions not stated): 1000 Genomes Project 30x 0.00031; 1000 Genomes Project 0.00040; ExAC 0.00044; gnomAD exomes 0.00046 and 0.00073; TOPMed 0.00049; gnomAD 0.00053 and 0.00055; ESP Exome Variant Server 0.00066.
gnomAD v4.1: 1,129 of 1,613,726 alleles (0.07%); highest among the groups gnomAD compares: Non-Finnish European, 0.091%; 1 homozygote.

Submissions (16):

Labcorp Genetics (formerly Invitae), Labcorp
Classification: Likely benign for Catecholaminergic polymorphic ventricular tachycardia 1. Last evaluated: 2026-01-25. Review status: criteria provided, single submitter. Criteria: Invitae Variant Classification Sherloc (09022015). Collection method: clinical testing. Allele origin: germline.

CeGaT Center for Human Genetics Tuebingen
Classification: Likely benign. Last evaluated: 2025-06-01. Review status: criteria provided, single submitter. Criteria: CeGaT Center For Human Genetics Tuebingen Variant Classification Criteria Version 2. Collection method: clinical testing. Allele origin: germline. Affected: yes. Observed: 1 variant allele.
Comment: RYR2: BP4, BP7

Blueprint Genetics
Classification: Likely benign. Last evaluated: 2024-11-22. Review status: criteria provided, single submitter. Criteria: ACMG Guidelines, 2015. Collection method: clinical testing. Allele origin: germline.

All of Us Research Program, National Institutes of Health
Classification: Benign for Catecholaminergic polymorphic ventricular tachycardia. Last evaluated: 2024-02-05. Review status: criteria provided, single submitter. Criteria: ACMG Guidelines, 2015. Collection method: clinical testing. Allele origin: germline. Inheritance: Autosomal dominant inheritance. Observed: 164 variant alleles, 164 heterozygotes.
Comment: This study involves interpretation of variants in research participants for the purpose of population health screening. Participant phenotype was not available at the time of variant classification. Additional details can be found in publication PMID: 35346344, PMCID: PMC8962531

Women's Health and Genetics/Laboratory Corporation of America, LabCorp
Classification: Benign. Last evaluated: 2018-10-22. Review status: criteria provided, single submitter. Criteria: LabCorp Variant Classification Summary - May 2015. Collection method: clinical testing. Allele origin: germline.
Comment: Variant summary: RYR2 c.1548T>C alters a non-conserved nucleotide resulting in a synonymous change. 5/5 computational tools predict no significant impact on normal splicing. However, these predictions have yet to be confirmed by functional studies. The variant allele was found at a frequency of 0.00045 in 276574 control chromosomes (gnomAD). The observed variant frequency is approximately 7.5-fold of the estimated maximal expected allele frequency for a pathogenic variant in RYR2 causing Arrhythmia phenotype (6e-05), strongly suggesting that the variant is benign. To our knowledge, no occurrence of c.1548T>C in individuals affected with Arrhythmia and no experimental evidence demonstrating its impact on protein function have been reported. Three clinical diagnostic laboratories have submitted clinical-significance assessments for this variant to ClinVar after 2014 without evidence for independent evaluation. All laboratories classified the variant as likely benign. Based on the evidence outlined above, the variant was classified as benign.

Color Diagnostics, LLC DBA Color Health
Classification: Benign for Cardiomyopathy. Last evaluated: 2018-10-15. Review status: criteria provided, single submitter. Criteria: ACMG Guidelines, 2015. Collection method: clinical testing. Allele origin: germline.

Illumina Laboratory Services, Illumina
Classification: Uncertain significance for Catecholaminergic polymorphic ventricular tachycardia 1. Last evaluated: 2018-08-29. Review status: criteria provided, single submitter. Criteria: ICSL Variant Classification Criteria 13 December 2019. Collection method: clinical testing. Allele origin: germline.

Illumina Laboratory Services, Illumina
Classification: Likely benign for Catecholaminergic polymorphic ventricular tachycardia 1. Last evaluated: 2018-08-29. Review status: criteria provided, single submitter. Criteria: ICSL Variant Classification Criteria 13 December 2019. Collection method: clinical testing. Allele origin: germline.
Comment: This variant was observed as part of a predisposition screen in an ostensibly healthy population. A literature search was performed for the gene, cDNA change, and amino acid change (where applicable). No publications were found based on this search. Allele frequency data from public databases allowed determination this variant is unlikely to cause disease. Therefore, this variant is classified as likely benign.

Ambry Genetics
Classification: Likely benign for Cardiovascular phenotype. Last evaluated: 2017-05-31. Review status: criteria provided, single submitter. Criteria: Ambry Variant Classification Scheme 2023. Collection method: clinical testing. Allele origin: germline.

Laboratory for Molecular Medicine, Mass General Brigham Personalized Medicine
Classification: Likely benign. Last evaluated: 2015-03-06. Review status: criteria provided, single submitter. Criteria: LMM Criteria. Collection method: clinical testing. Allele origin: germline. Observed: 3 variant alleles.
Comment: p.Asp516Asp in exon 16 of RYR2: This variant is not expected to have clinical si gnificance because it does not alter an amino acid residue and is not located wi thin the splice consensus sequence. It has been identified in 0.1% (51/66652) of European chromosomes by the Exome Aggregation Consortium (ExAC; dbSNP rs146129084).

GeneDx
Classification: Benign. Last evaluated: 2014-05-05. Review status: criteria provided, single submitter. Criteria: GeneDx Variant Classification (06012015). Collection method: clinical testing. Allele origin: germline. Affected: yes.
Comment: This variant is considered likely benign or benign based on one or more of the following criteria: it is a conservative change, it occurs at a poorly conserved position in the protein, it is predicted to be benign by multiple in silico algorithms, and/or has population frequency not consistent with disease.

Clinical Genetics DNA and cytogenetics Diagnostics Lab, Erasmus MC, Erasmus Medical Center
Classification: Likely benign. Review status: no assertion criteria provided. Collection method: clinical testing. Allele origin: germline. Affected: yes. Study: VKGL Data-share Consensus. Not counted in ClinVar's aggregate classification.

Clinical Genetics, Academic Medical Center
Classification: Benign. Review status: no assertion criteria provided. Collection method: clinical testing. Allele origin: germline. Affected: yes. Study: VKGL Data-share Consensus. Not counted in ClinVar's aggregate classification.

Diagnostic Laboratory, Department of Genetics, University Medical Center Groningen
Classification: Likely benign. Review status: no assertion criteria provided. Collection method: clinical testing. Allele origin: germline. Affected: yes. Study: VKGL Data-share Consensus. Not counted in ClinVar's aggregate classification.

Genome Diagnostics Laboratory, University Medical Center Utrecht
Classification: Benign. Review status: no assertion criteria provided. Collection method: clinical testing. Allele origin: germline. Affected: yes. Study: VKGL Data-share Consensus. Not counted in ClinVar's aggregate classification.

Joint Genome Diagnostic Labs from Nijmegen and Maastricht, Radboudumc and MUMC+
Classification: Likely benign. Review status: no assertion criteria provided. Collection method: clinical testing. Allele origin: germline. Affected: yes. Study: VKGL Data-share Consensus. Not counted in ClinVar's aggregate classification.

NM_001035.3(RYR2):c.1548T>C (p.Asp516=)

Gene: RYR2 (ryanodine receptor 2; plus strand). Cytogenetic location: 1q43.
Variant type: single nucleotide variant.
Coding change: c.1548T>C on transcript NM_001035.3 (MANE Select); coding-DNA position 1548, T replaced by C.
Protein change: p.Asp516=; no amino-acid change (aspartic acid 516 retained).
Molecular consequence: synonymous variant.
Genome position (GRCh38, 1-based): chr1:237,456,671, T>C. VCF-style: chr1-237456671-T-C. GRCh37 (hg19) VCF-style: chr1-237619971-T-C.
Other names: p.D516D:GAT>GAC.
Identifiers: ClinVar variation 43751 (VCV000043751.46), dbSNP rs146129084, ClinGen allele CA008488.
Genomic context (GRCh38, chr1:237,456,671, plus strand): 5'-CCTCGTGCTTGAGTGCATAGACCGTTTGCACGTCTACAGCAGTGCAGCACACTTTGCTGA[T>C]GTTGCTGGGCGAGAAGCAGGAGAGTCTTGGAAATCCATTCTGAATTCTCTGTATGAGTTG-3'
Protein context (NP_001026.2, residues 506-526): HVYSSAAHFA[Asp516=]VAGREAGESW